The following is an entry in ClinVar:

ClinVar aggregate classification (germline): Benign/Likely benign. Review status: criteria provided, multiple submitters, no conflicts (2 of 4 stars). 4 submissions from 4 submitters: Benign (2); Likely benign (2). Last evaluated 2026-01-07.

Conditions:
Osteogenesis imperfecta (OI). Identifiers: Orphanet 666, MedGen C0029434, MeSH D010013, MONDO:0019019.

Allele frequency attached by ClinVar (database versions not stated): ESP Exome Variant Server 0.00046; gnomAD 0.00061 and 0.00074; TOPMed 0.00082; 1000 Genomes Project 0.00100; 1000 Genomes Project 30x 0.00109; gnomAD exomes 0.00133 and 0.00142.
gnomAD v4.1: 2,113 of 1,562,274 alleles (0.14%); highest among the groups gnomAD compares: South Asian, 0.49%; 3 homozygotes.

Submissions (4):

Labcorp Genetics (formerly Invitae), Labcorp
Classification: Benign. Last evaluated: 2026-01-07. Review status: criteria provided, single submitter. Criteria: Invitae Variant Classification Sherloc (09022015). Collection method: clinical testing. Allele origin: germline.

Blueprint Genetics
Classification: Likely benign. Last evaluated: 2024-11-19. Review status: criteria provided, single submitter. Criteria: ACMG Guidelines, 2015. Collection method: clinical testing. Allele origin: germline.

Genome Diagnostics Laboratory, The Hospital for Sick Children
Classification: Likely benign for Osteogenesis imperfecta. Last evaluated: 2020-11-24. Review status: criteria provided, single submitter. Criteria: ACMG Guidelines, 2015. Collection method: clinical testing. Allele origin: germline.

GeneDx
Classification: Benign. Last evaluated: 2017-11-15. Review status: criteria provided, single submitter. Criteria: GeneDx Variant Classification (06012015). Collection method: clinical testing. Allele origin: germline. Affected: yes.
Comment: This variant is considered likely benign or benign based on one or more of the following criteria: it is a conservative change, it occurs at a poorly conserved position in the protein, it is predicted to be benign by multiple in silico algorithms, and/or has population frequency not consistent with disease.

NM_001025295.3(IFITM5):c.87G>A (p.Pro29=)

Gene: IFITM5 (interferon induced transmembrane protein 5; minus strand). Cytogenetic location: 11p15.5.
Variant type: single nucleotide variant.
Coding change: c.87G>A on transcript NM_001025295.3 (MANE Select); coding-DNA position 87, G replaced by A.
Protein change: p.Pro29=; no amino-acid change (proline 29 retained).
Molecular consequence: synonymous variant.
Genome position (GRCh38, 1-based): chr11:299,404, C>T on the plus strand (G>A on the coding strand, the complement: IFITM5 is on the minus strand). VCF-style: chr11-299404-C-T. GRCh37 (hg19) VCF-style: chr11-299404-C-T.
Identifiers: ClinVar variation 513279 (VCV000513279.14), dbSNP rs372443030, ClinGen allele CA5773498.